The following is an entry in ClinVar:

ClinVar aggregate classification (germline): Uncertain significance (1 of 4 stars; one submission).

Conditions:
Polyglandular autoimmune syndrome, type 1 (APS1). Also called: APS I; Autoimmune polyendocrine syndrome type 1; Whitaker syndrome; HYPOADRENOCORTICISM WITH HYPOPARATHYROIDISM AND SUPERFICIAL MONILIASIS; Autoimmune polyendocrinopathy syndrome, type I; AUTOIMMUNE POLYENDOCRINE SYNDROME, TYPE I, WITH OR WITHOUT REVERSIBLE METAPHYSEAL DYSPLASIA. Identifiers: Orphanet 3453, MedGen C0085859, MONDO:0009411, OMIM 240300.

Allele frequency attached by ClinVar (database versions not stated): gnomAD exomes below 0.00001.
gnomAD v4.1: 1 of 1,555,962 alleles (0.000064%); highest among the groups gnomAD compares: African/African-American, 0.0014%; no homozygotes.

Submission:

Labcorp Genetics (formerly Invitae), Labcorp
Classification: Uncertain significance for Polyglandular autoimmune syndrome, type 1. Last evaluated: 2022-05-10. Review status: criteria provided, single submitter. Criteria: Invitae Variant Classification Sherloc (09022015). Collection method: clinical testing. Allele origin: germline.
Comment: This sequence change replaces lysine, which is basic and polar, with arginine, which is basic and polar, at codon 159 of the AIRE protein (p.Lys159Arg). In summary, the available evidence is currently insufficient to determine the role of this variant in disease. Therefore, it has been classified as a Variant of Uncertain Significance. Algorithms developed to predict the effect of missense changes on protein structure and function are either unavailable or do not agree on the potential impact of this missense change (SIFT: "Deleterious"; PolyPhen-2: "Benign"; Align-GVGD: "Class C25"). This variant has not been reported in the literature in individuals affected with AIRE-related conditions. This variant is not present in population databases (gnomAD no frequency).

NM_000383.4(AIRE):c.476A>G (p.Lys159Arg)

Gene: AIRE (autoimmune regulator; plus strand). Cytogenetic location: 21q22.3.
Variant type: single nucleotide variant.
Coding change: c.476A>G on transcript NM_000383.4 (MANE Select); coding-DNA position 476, A replaced by G.
Protein change: p.Lys159Arg; replaces lysine 159 with arginine.
Molecular consequence: missense variant.
Genome position (GRCh38, 1-based): chr21:44,287,529, A>G. VCF-style: chr21-44287529-A-G. GRCh37 (hg19) VCF-style: chr21-45707412-A-G.
Other names: short protein forms K159R.
Identifiers: ClinVar variation 2118545 (VCV002118545.4), dbSNP rs2517877667, ClinGen allele CA410423916.